The following is an entry in ClinVar:

NM_001042492.3(NF1):c.274A>G (p.Lys92Glu)

Gene: NF1 (neurofibromin 1; plus strand). Cytogenetic location: 17q11.2.
Variant type: single nucleotide variant.
Coding change: c.274A>G on transcript NM_001042492.3 (MANE Select); coding-DNA position 274, A replaced by G.
Protein change: p.Lys92Glu; replaces lysine 92 with glutamic acid.
Molecular consequence: missense variant.
Genome position (GRCh38, 1-based): chr17:31,159,079, A>G. VCF-style: chr17-31159079-A-G. GRCh37 (hg19) VCF-style: chr17-29486097-A-G.
Other names: c.274A>G, p.Lys92Glu (NM_000267.4, NM_001128147.3); short protein forms K92E.
Identifiers: ClinVar variation 484087 (VCV000484087.13), dbSNP rs1555605396, ClinGen allele CA398989810.

ClinVar aggregate classification (germline): Uncertain significance. Review status: criteria provided, multiple submitters, no conflicts (2 of 4 stars). 4 submissions from 4 submitters: Uncertain significance (4). Last evaluated 2026-02-11.

Conditions:
Cardiovascular phenotype. Identifiers: MedGen CN230736.
Hereditary cancer-predisposing syndrome. Also called: Hereditary neoplastic syndrome; Neoplastic Syndromes, Hereditary; Tumor predisposition; Hereditary Cancer Syndrome. Identifiers: Orphanet 140162, MedGen C0027672, MeSH D009386, MONDO:0015356.
Neurofibromatosis, type 1 (NF1). Also called: VON RECKLINGHAUSEN DISEASE; Peripheral type neurofibromatosis; NEUROFIBROMATOSIS, TYPE I, SOMATIC; Neurofibromatosis, type I. Identifiers: Orphanet 636, MedGen C0027831, MONDO:0018975, OMIM 162200. Disease mechanism: loss of function.

Submissions (4):

St. Jude Molecular Pathology, St. Jude Children's Research Hospital
Classification: Uncertain significance for Neurofibromatosis, type 1. Last evaluated: 2026-02-11. Review status: criteria provided, single submitter. Criteria: St. Jude Assertion Criteria 2020. Collection method: clinical testing. Allele origin: germline.
Comment: The NF1 c.274A>G p.(Lys92Glu) missense change is absent in gnomAD v2.1.1. The in silico tool REVEL predicts a deleterious effect on protein function, but to our knowledge this prediction has not been confirmed by functional studies. To our knowledge, this variant has not been reported in individuals with Neurofibromatosis type 1. In summary, the evidence currently available is insufficient to determine the clinical significance of this variant. It has therefore been classified as of uncertain significance.

Ambry Genetics
Classification: Uncertain significance for Cardiovascular phenotype; Hereditary cancer-predisposing syndrome. Last evaluated: 2025-08-21. Review status: criteria provided, single submitter. Criteria: Ambry Variant Classification Scheme 2023. Collection method: clinical testing. Allele origin: germline.
Comment: The p.K92E variant (also known as c.274A>G), located in coding exon 3 of the NF1 gene, results from an A to G substitution at nucleotide position 274. The lysine at codon 92 is replaced by glutamic acid, an amino acid with similar properties. This amino acid position is highly conserved in available vertebrate species. In addition, this alteration is predicted to be deleterious by in silico analysis. Since supporting evidence is limited at this time, the clinical significance of this alteration remains unclear.

Labcorp Genetics (formerly Invitae), Labcorp
Classification: Uncertain significance for Neurofibromatosis, type 1. Last evaluated: 2024-04-17. Review status: criteria provided, single submitter. Criteria: Invitae Variant Classification Sherloc (09022015). Collection method: clinical testing. Allele origin: germline.
Comment: This sequence change replaces lysine, which is basic and polar, with glutamic acid, which is acidic and polar, at codon 92 of the NF1 protein (p.Lys92Glu). This variant is not present in population databases (gnomAD no frequency). This variant has not been reported in the literature in individuals affected with NF1-related conditions. ClinVar contains an entry for this variant (Variation ID: 484087). Advanced modeling of protein sequence and biophysical properties (such as structural, functional, and spatial information, amino acid conservation, physicochemical variation, residue mobility, and thermodynamic stability) performed at Invitae indicates that this missense variant is expected to disrupt NF1 protein function with a positive predictive value of 95%. In summary, the available evidence is currently insufficient to determine the role of this variant in disease. Therefore, it has been classified as a Variant of Uncertain Significance.

Genome-Nilou Lab
Classification: Uncertain significance for Neurofibromatosis, type 1. Last evaluated: 2022-03-15. Review status: criteria provided, single submitter. Criteria: ACMG Guidelines, 2015. Collection method: clinical testing. Allele origin: germline. Affected: no.